The following is an entry in ClinVar:

ClinVar aggregate classification (germline): Uncertain significance (1 of 4 stars; one submission).

Conditions:
Inborn genetic diseases. Identifiers: MedGen C0950123, MeSH D030342.

Submission:

Ambry Genetics
Classification: Uncertain significance for Inborn genetic diseases. Last evaluated: 2025-11-17. Review status: criteria provided, single submitter. Criteria: Ambry Variant Classification Scheme 2023. Collection method: clinical testing. Allele origin: germline.
Comment: The p.F172L variant (also known as c.516C>G), located in coding exon 4 of the MECOM gene, results from a C to G substitution at nucleotide position 516. The phenylalanine at codon 172 is replaced by leucine, an amino acid with highly similar properties. This amino acid position is conserved. In addition, this alteration is predicted to be tolerated by in silico analysis. Based on the available evidence, the clinical significance of this variant remains unclear.

NM_004991.4(MECOM):c.516C>G (p.Phe172Leu)

Gene: MECOM (MDS1 and EVI1 complex locus; minus strand). Cytogenetic location: 3q26.2.
Variant type: single nucleotide variant.
Coding change: c.516C>G on transcript NM_004991.4 (MANE Select); coding-DNA position 516, C replaced by G.
Protein change: p.Phe172Leu; replaces phenylalanine 172 with leucine.
Molecular consequence: missense variant. On other transcripts: 5 prime UTR variant (12).
Genome position (GRCh38, 1-based): chr3:169,131,526, G>C on the plus strand (C>G on the coding strand, the complement: MECOM is on the minus strand). VCF-style: chr3-169131526-G-C. GRCh37 (hg19) VCF-style: chr3-168849314-G-C.
Other names: c.144C>G, p.Phe48Leu (NM_001105077.4); c.-49C>G (NM_001105078.4, NM_001163999.2, NM_001164000.2 and 9 more transcripts); c.516C>G, p.Phe172Leu (NM_001366466.2, NM_001366473.2); short protein forms F172L, F48L.
Identifiers: ClinVar variation 4624698 (VCV004624698.1).